The following is an entry in ClinVar:

NM_173596.3(SLC39A5):c.56T>C (p.Leu19Ser)

Gene: SLC39A5 (solute carrier family 39 member 5; plus strand). Cytogenetic location: 12q13.3.
Variant type: single nucleotide variant.
Coding change: c.56T>C on transcript NM_173596.3 (MANE Select); coding-DNA position 56, T replaced by C.
Protein change: p.Leu19Ser; replaces leucine 19 with serine.
Molecular consequence: missense variant.
Genome position (GRCh38, 1-based): chr12:56,231,330, T>C. VCF-style: chr12-56231330-T-C. GRCh37 (hg19) VCF-style: chr12-56625114-T-C.
Other names: c.56T>C, p.Leu19Ser (NM_001135195.2); short protein forms L19S.
Identifiers: ClinVar variation 768554 (VCV000768554.28), dbSNP rs147572362, ClinGen allele CA6626945.
Genomic context (GRCh38, chr12:56,231,330, plus strand): 5'-CACCAATGATGGGGTCCCCAGTGAGTCATCTGCTGGCCGGCTTCTGTGTGTGGGTCGTCT[T>C]GGGCTGGGTAGGGGGCTCAGTCCCCAACCTGGGCCCTGCTGAGCAGGAGCAGAACCATTA-3'
Protein context (NP_775867.2, residues 9-29): LLAGFCVWVV[Leu19Ser]GWVGGSVPNL

ClinVar aggregate classification (germline): Benign. Review status: criteria provided, multiple submitters, no conflicts (2 of 4 stars). 3 submissions from 3 submitters: Benign (3). Last evaluated 2022-06-01.

Allele frequency attached by ClinVar (database versions not stated): 1000 Genomes Project 30x 0.00297; 1000 Genomes Project 0.00300; TOPMed 0.00382; gnomAD 0.00413 and 0.00429; ESP Exome Variant Server 0.00523; gnomAD exomes 0.00549 and 0.00675; ExAC 0.00560.
gnomAD v4.1: 10,383 of 1,613,412 alleles (0.64%); highest among the groups gnomAD compares: South Asian, 0.83%; 50 homozygotes.

Submissions (3):

CeGaT Center for Human Genetics Tuebingen
Classification: Benign. Last evaluated: 2022-06-01. Review status: criteria provided, single submitter. Criteria: CeGaT Center For Human Genetics Tuebingen Variant Classification Criteria Version 2. Collection method: clinical testing. Allele origin: germline. Affected: yes. Observed: 1 variant allele.
Comment: SLC39A5: BP4, BS1, BS2

Labcorp Genetics (formerly Invitae), Labcorp
Classification: Benign. Last evaluated: 2017-08-24. Review status: criteria provided, single submitter. Criteria: Invitae Variant Classification Sherloc (09022015). Collection method: clinical testing. Allele origin: germline.

Breakthrough Genomics
Classification: Benign. Review status: criteria provided, single submitter. Criteria: ACMG Guidelines, 2015. Collection method: not provided. Allele origin: germline. Inheritance: Autosomal dominant inheritance. Affected: yes.